The following is an entry in ClinVar:

ClinVar aggregate classification (germline): Likely pathogenic. Review status: criteria provided, single submitter (1 of 4 stars). 2 submissions from 2 submitters: Likely pathogenic (1). 1 of the submissions does not count toward it. Last evaluated 2021-10-15.

Conditions:
Microcephaly. Also called: Microcephaly (disease). Identifiers: MedGen C4551563, MONDO:0001149, HP:0000252.
Severe intellectual disability. Identifiers: MedGen C0036857, HP:0010864.
Seizure. Also called: Seizures. Identifiers: MedGen C0036572, HP:0001250.
Neurodevelopmental disorder with microcephaly, movement abnormalities, and seizures (NEDMIMS). Identifiers: MedGen C5774208, MONDO:0859282, OMIM 620023.

Submissions (2):

Institute of Human Genetics, University of Leipzig Medical Center
Classification: Likely pathogenic for Severe intellectual disability; Seizure; Microcephaly. Last evaluated: 2021-10-15. Review status: criteria provided, single submitter. Criteria: ACMG Guidelines, 2015. Collection method: research. Allele origin: germline. Affected: yes.
Comment: Criteria applied: PS3, PS4_Moderate, PM2_Supporting, PP3

OMIM
Classification: Pathogenic for NEURODEVELOPMENTAL DISORDER WITH MICROCEPHALY, MOVEMENT ABNORMALITIES, AND SEIZURES. Last evaluated: 2022-09-01. Review status: no assertion criteria provided. Collection method: literature only. Allele origin: germline. Not counted in ClinVar's aggregate classification.

Literature cited by the submitters: DOI 10.1101/2021.10.21.21265050 (cited by Institute of Human Genetics, University of Leipzig Medical Center); PubMed 35202461 (cited by OMIM).

NM_001277.3(CHKA):c.421C>T (p.Arg141Trp)

Gene: CHKA (choline kinase alpha; minus strand). Cytogenetic location: 11q13.2.
Variant type: single nucleotide variant.
Coding change: c.421C>T on transcript NM_001277.3 (MANE Select); coding-DNA position 421, C replaced by T.
Protein change: p.Arg141Trp; replaces arginine 141 with tryptophan.
Molecular consequence: missense variant. On other transcripts: non-coding transcript variant (1).
Genome position (GRCh38, 1-based): chr11:68,097,060, G>A on the plus strand (C>T on the coding strand, the complement: CHKA is on the minus strand). VCF-style: chr11-68097060-G-A. GRCh37 (hg19) VCF-style: chr11-67864527-G-A.
Other names: c.421C>T, p.Arg141Trp (NM_001376219.1, NM_001376220.1, NM_212469.2); c.55C>T, p.Arg19Trp (NM_001376221.1, NM_001376222.1); short protein forms R141W, R19W.
Identifiers: ClinVar variation 1325845 (VCV001325845.3), dbSNP rs765529707, ClinGen allele CA381603985.
Genomic context (GRCh38, chr11:68,097,060, plus strand): 5'-AAGTAGCCTACCAACTCACCATCTGCAAAATCGCTCCATACAGCCGCAGGAGCACTTTCC[G>A]AGGCTCATCACCAAGGGTGGCTGTGGTGTCAGGTAGGGAGCACTGGAACAGCATGTTGCT-3'
Protein context (NP_001268.2, residues 131-151): DTTATLGDEP[Arg141Trp]KVLLRLYGAI